The following is an entry in ClinVar:

ClinVar aggregate classification (germline): Pathogenic/Likely pathogenic. Review status: criteria provided, multiple submitters, no conflicts (2 of 4 stars). 4 submissions from 4 submitters: Pathogenic (3); Likely pathogenic (1). Last evaluated 2025-09-16.

Conditions:
Hereditary cancer-predisposing syndrome. Also called: Tumor predisposition; Hereditary neoplastic syndrome; Neoplastic Syndromes, Hereditary; Hereditary Cancer Syndrome. Identifiers: Orphanet 140162, MedGen C0027672, MeSH D009386, MONDO:0015356.
Retinoblastoma (RB1). Also called: RETINOBLASTOMA, SOMATIC. Identifiers: Orphanet 790, MedGen C0035335, MeSH D012175, MONDO:0008380, OMIM 180200, HP:0009919. Disease mechanism: loss of function. Inheritance: Both sporadic and heritable forms are tested..

Submissions (4):

Color Diagnostics, LLC DBA Color Health
Classification: Pathogenic for Retinoblastoma. Last evaluated: 2025-09-16. Review status: criteria provided, single submitter. Criteria: ACMG Guidelines, 2015. Collection method: clinical testing. Allele origin: germline.
Comment: This variant causes a G to C nucleotide substitution at the +5 position of intron 24 of the RB1 gene. Splice site prediction tools predict that this variant may have a significant impact on RNA splicing. Published RNA studies have shown this variant to disrupt the exon 24 splice donor site and result in the skipping of exon 24, causing a frameshift and truncation. This variant is expected to result in an absent or disrupted protein product. This variant has been been reported in individuals affected with bilateral and unilateral retinoblastoma in the literature (PMID: 12541220, 18181215). Other variants at this position have also been determined to be disease causing (ClinVar Variation ID: 428703, 567155). This variant has not been identified in the general population by the Genome Aggregation Database (gnomAD). Loss of RB1 function is a known mechanism of disease. Based on the available evidence, this variant is classified as Pathogenic.

Genetic Diagnostic Laboratory, University of Pennsylvania School of Medicine
Classification: Likely pathogenic for Retinoblastoma. Last evaluated: 2024-05-20. Review status: criteria provided, single submitter. Criteria: ACMG Guidelines, 2015. Collection method: clinical testing. Allele origin: germline. Affected: yes. Observed: 1 variant allele.
Comment: Case and Pedigree Information: BILATERAL CASES:1, UNILATERAL CASES:0, TOTAL CASES:1, PEDIGREES:1. ACMG Codes Applied:PM2, PS4SUP, PP3, PP5

Labcorp Genetics (formerly Invitae), Labcorp
Classification: Pathogenic for Retinoblastoma. Last evaluated: 2022-10-10. Review status: criteria provided, single submitter. Criteria: Invitae Variant Classification Sherloc (09022015). Collection method: clinical testing. Allele origin: germline.
Comment: This variant is not present in population databases (gnomAD no frequency). This sequence change falls in intron 24 of the RB1 gene. It does not directly change the encoded amino acid sequence of the RB1 protein. RNA analysis indicates that this variant induces altered splicing and may result in an absent or disrupted protein product. This variant has been observed in individual(s) with retinoblastoma (Invitae). For these reasons, this variant has been classified as Pathogenic. Variants that disrupt the consensus splice site are a relatively common cause of aberrant splicing (PMID: 17576681, 9536098). Studies have shown that this variant results in skipping of exon 24 and introduces a premature termination codon (PMID: 18181215; Invitae). The resulting mRNA is expected to undergo nonsense-mediated decay. ClinVar contains an entry for this variant (Variation ID: 1071565).

Ambry Genetics
Classification: Pathogenic for Hereditary cancer-predisposing syndrome. Last evaluated: 2021-03-24. Review status: criteria provided, single submitter. Criteria: Ambry Variant Classification Scheme 2023. Collection method: clinical testing. Allele origin: germline.
Comment: The c.2520+5G>C intronic variant results from a G to C substitution 5 nucleotides after coding exon 24 in the RB1 gene. This variant has been reported in multiple individuals with retinoblastoma (Richter S et al. Am J Hum Genet. 2003 Feb; 72(2): 253&ndash;269; Ambry internal data). Several other alterations impacting the same donor site (c.2520+5G>A, c.2520+5G>T and c.2520+6T>C) have been identified in multiple patients with retinoblastoma (Ambry internal data; Alonso J et al. Hum Mutat. 2005 Jan;25:99; Aggarwala V et al. BMC Genomics. 2017 02;18:155; Dommering CJ et al. J Med Genet. 2014 Jun;51:366-74). One of these close match alterations segregated with disease was also described as causing exon 24 skipping (Dommering CJ et al. J Med Genet. 2014 Jun;51:366-74). This variant was not reported in population-based cohorts in the Genome Aggregation Database (gnomAD). This nucleotide position is highly conserved in available vertebrate species. In silico splice site analysis predicts that this alteration will weaken the native splice donor site; however, direct evidence is unavailable. Based on the supporting evidence, this alteration is interpreted as a disease-causing mutation.

Literature cited by the submitters: PubMed 12541220 (cited by Color Diagnostics, LLC DBA Color Health and Ambry Genetics); PubMed 18181215 (cited by Color Diagnostics, LLC DBA Color Health and Labcorp Genetics (formerly Invitae), Labcorp); PubMed 17576681 (cited by Labcorp Genetics (formerly Invitae), Labcorp); PubMed 9536098 (cited by Labcorp Genetics (formerly Invitae), Labcorp); PubMed 15605413 (cited by Ambry Genetics); PubMed 24688104 (cited by Ambry Genetics); PubMed 28193182 (cited by Ambry Genetics).

NM_000321.3(RB1):c.2520+5G>C

Gene: RB1 (RB transcriptional corepressor 1; plus strand). Cytogenetic location: 13q14.2.
Variant type: single nucleotide variant.
Coding change: c.2520+5G>C on transcript NM_000321.3 (MANE Select); 5 bases into the intron after coding-DNA position 2520, G replaced by C.
Molecular consequence: intron variant.
Genome position (GRCh38, 1-based): chr13:48,473,395, G>C. VCF-style: chr13-48473395-G-C. GRCh37 (hg19) VCF-style: chr13-49047531-G-C.
Identifiers: ClinVar variation 1071565 (VCV001071565.10), dbSNP rs1131690881, ClinGen allele CA2499222464.
Genomic context (GRCh38, chr13:48,473,395, plus strand): 5'-TTGGTATTTCATCTTAACTTGACAGAATCTTAGTATCAATTGGTGAATCATTCGGGGTGA[G>C]TATTTTCTTTCTATGAAATATAATAGTATGCATTGTAAGTATAAAAGAAATTAAAGCTTT-3'